The following is an entry in ClinVar:

NM_001365536.1(SCN9A):c.3382A>G (p.Ser1128Gly)

Genes: SCN1A-AS1 (SCN1A and SCN9A antisense RNA 1; plus strand), SCN9A (sodium voltage-gated channel alpha subunit 9; minus strand). Cytogenetic location: 2q24.3.
Variant type: single nucleotide variant.
Coding change: c.3382A>G on transcript NM_001365536.1 (MANE Select); coding-DNA position 3382, A replaced by G.
Protein change: p.Ser1128Gly; replaces serine 1128 with glycine.
Molecular consequence: missense variant. On other transcripts: non-coding transcript variant (1).
Genome position (GRCh38, 1-based): chr2:166,251,855, T>C on the plus strand (A>G on the coding strand, the complement: SCN9A is on the minus strand). VCF-style: chr2-166251855-T-C. GRCh37 (hg19) VCF-style: chr2-167108365-T-C.
Other names: c.3349A>G, p.Ser1117Gly (NM_002977.4); short protein forms S1117G, S1128G.
Identifiers: ClinVar variation 3762278 (VCV003762278.2).

ClinVar aggregate classification (germline): Uncertain significance (1 of 4 stars; one submission).

Conditions:
Neuropathy, hereditary sensory and autonomic, type 2A (HSAN2A). Also called: HSAN IIA; ACROOSTEOLYSIS, GIACCAI TYPE; ACROOSTEOLYSIS, NEUROGENIC; MORVAN DISEASE; NEUROPATHY, CONGENITAL SENSORY; NEUROPATHY, HEREDITARY SENSORY RADICULAR, AUTOSOMAL RECESSIVE. Identifiers: Orphanet 970, MedGen C2752089, MONDO:0024309, OMIM 201300.
Generalized epilepsy with febrile seizures plus, type 7 (GEFSP7). Also called: GEFS+, TYPE 7. Identifiers: Orphanet 36387, MedGen C2751778, MONDO:0013470, OMIM 613863.

gnomAD v4.1: 1 of 1,612,596 alleles (0.000062%); highest among the groups gnomAD compares: Non-Finnish European, 0.000085%; no homozygotes.

Submission:

Labcorp Genetics (formerly Invitae), Labcorp
Classification: Uncertain significance for Neuropathy, hereditary sensory and autonomic, type 2A; Generalized epilepsy with febrile seizures plus, type 7. Last evaluated: 2024-08-20. Review status: criteria provided, single submitter. Criteria: Invitae Variant Classification Sherloc (09022015). Collection method: clinical testing. Allele origin: germline.
Comment: This sequence change replaces serine, which is neutral and polar, with glycine, which is neutral and non-polar, at codon 1117 of the SCN9A protein (p.Ser1117Gly). This variant is not present in population databases (gnomAD no frequency). This variant has not been reported in the literature in individuals affected with SCN9A-related conditions. Invitae Evidence Modeling of protein sequence and biophysical properties (such as structural, functional, and spatial information, amino acid conservation, physicochemical variation, residue mobility, and thermodynamic stability) indicates that this missense variant is not expected to disrupt SCN9A protein function with a negative predictive value of 80%. In summary, the available evidence is currently insufficient to determine the role of this variant in disease. Therefore, it has been classified as a Variant of Uncertain Significance.